The following is an entry in ClinVar:

ClinVar aggregate classification (germline): Pathogenic/Likely pathogenic. Review status: criteria provided, multiple submitters, no conflicts (2 of 4 stars). 2 submissions from 2 submitters: Pathogenic (1); Likely pathogenic (1). Last evaluated 2022-04-06.

Allele frequency attached by ClinVar (database versions not stated): gnomAD exomes below 0.00001.
gnomAD v4.1: 2 of 1,579,556 alleles (0.00013%); highest among the groups gnomAD compares: Admixed American, 0.0034%; no homozygotes.

Submissions (2):

Labcorp Genetics (formerly Invitae), Labcorp
Classification: Pathogenic. Last evaluated: 2022-04-06. Review status: criteria provided, single submitter. Criteria: Invitae Variant Classification Sherloc (09022015). Collection method: clinical testing. Allele origin: germline.
Comment: For these reasons, this variant has been classified as Pathogenic. Algorithms developed to predict the effect of sequence changes on RNA splicing suggest that this variant may disrupt the consensus splice site. Disruption of this splice site has been observed in individual(s) with clinical features of PROM1-related conditions (PMID: 31199449; Invitae). This variant is present in population databases (no rsID available, gnomAD 0.003%). This sequence change affects a donor splice site in intron 11 of the PROM1 gene. It is expected to disrupt RNA splicing. Variants that disrupt the donor or acceptor splice site typically lead to a loss of protein function (PMID: 16199547), and loss-of-function variants in PROM1 are known to be pathogenic (PMID: 17605048, 19718270, 24154662, 25474345).

GeneDx
Classification: Likely pathogenic. Last evaluated: 2022-03-17. Review status: criteria provided, single submitter. Criteria: GeneDx Variant Classification Process June 2021. Collection method: clinical testing. Allele origin: germline. Affected: yes.
Comment: Canonical splice site variant predicted to result in a null allele in a gene for which loss-of-function is a known mechanism of disease; Not observed at significant frequency in large population cohorts (gnomAD); Has not been previously published as pathogenic or benign to our knowledge

Literature cited by the submitters: PubMed 31199449 (cited by Labcorp Genetics (formerly Invitae), Labcorp); PubMed 16199547 (cited by Labcorp Genetics (formerly Invitae), Labcorp); PubMed 17605048 (cited by Labcorp Genetics (formerly Invitae), Labcorp); PubMed 19718270 (cited by Labcorp Genetics (formerly Invitae), Labcorp); PubMed 24154662 (cited by Labcorp Genetics (formerly Invitae), Labcorp); PubMed 25474345 (cited by Labcorp Genetics (formerly Invitae), Labcorp).

NM_006017.3(PROM1):c.1301+1G>A

Gene: PROM1 (prominin 1; minus strand). Cytogenetic location: 4p15.32.
Variant type: single nucleotide variant.
Coding change: c.1301+1G>A on transcript NM_006017.3 (MANE Select); the canonical splice donor site of the intron after coding-DNA position 1301, G replaced by A.
Molecular consequence: splice donor variant.
Genome position (GRCh38, 1-based): chr4:16,008,948, C>T on the plus strand (G>A on the coding strand, the complement: PROM1 is on the minus strand). VCF-style: chr4-16008948-C-T. GRCh37 (hg19) VCF-style: chr4-16010571-C-T.
Other names: c.1274+1G>A (NM_001145848.2, NM_001145852.2, NM_001145847.2 and 4 more transcripts); c.1301+1G>A (NM_001145850.2, NM_001145849.2).
Identifiers: ClinVar variation 1706102 (VCV001706102.7), dbSNP rs1002373357, ClinGen allele CA92596662.
Genomic context (GRCh38, chr4:16,008,948, plus strand): 5'-TTTTATCTCGTTCTCTACAAAGTTCACTCTCGTAGTTCACCAGCTCCAAGGAGACACTCA[C>T]CAGTATGAATCATACTCTTCCAATGTAGGTAAATTTCTGTGGATGTAACTTTCAGTGTTA-3'